The following is an entry in ClinVar:

ClinVar aggregate classification (germline): Uncertain significance (1 of 4 stars; one submission).

Conditions:
Catecholaminergic polymorphic ventricular tachycardia (CVPT). Also called: Catecholamine-induced polymorphic ventricular tachycardia. Identifiers: Orphanet 3286, MedGen C5574922, MONDO:0017990.

Submission:

All of Us Research Program, National Institutes of Health
Classification: Uncertain significance for Catecholaminergic polymorphic ventricular tachycardia. Last evaluated: 2023-06-26. Review status: criteria provided, single submitter. Criteria: ACMG Guidelines, 2015. Collection method: clinical testing. Allele origin: germline. Inheritance: Autosomal dominant inheritance. Observed: 1 variant allele, 1 heterozygote.
Comment: This missense variant replaces glutamic acid with valine at codon 3562 of the RYR2 protein. Computational prediction suggests that this variant may have deleterious impact on protein structure and function (internally defined REVEL score threshold >= 0.7, PMID: 27666373). To our knowledge, functional studies have not been reported for this variant. This variant has not been reported in individuals affected with RYR2-related disorders in the literature. This variant has not been identified in the general population by the Genome Aggregation Database (gnomAD). The available evidence is insufficient to determine the role of this variant in disease conclusively. Therefore, this variant is classified as a Variant of Uncertain Significance.

This study involves interpretation of variants in research participants for the purpose of population health screening. Participant phenotype was not available at the time of variant classification. Additional details can be found in publication PMID: 35346344, PMCID: PMC8962531

NM_001035.3(RYR2):c.10685A>T (p.Glu3562Val)

Gene: RYR2 (ryanodine receptor 2; plus strand). Cytogenetic location: 1q43.
Variant type: single nucleotide variant.
Coding change: c.10685A>T on transcript NM_001035.3 (MANE Select); coding-DNA position 10685, A replaced by T.
Protein change: p.Glu3562Val; replaces glutamic acid 3562 with valine.
Molecular consequence: missense variant.
Genome position (GRCh38, 1-based): chr1:237,723,258, A>T. VCF-style: chr1-237723258-A-T. GRCh37 (hg19) VCF-style: chr1-237886558-A-T.
Other names: short protein forms E3562V.
Identifiers: ClinVar variation 3072181 (VCV003072181.1), dbSNP rs2547479809, ClinGen allele CA345416252.